The following is an entry in ClinVar:

NM_006929.5(SKIC2):c.1631del (p.Gln544fs)

Gene: SKIC2 (SKI2 subunit of superkiller complex; plus strand). Cytogenetic location: 6p21.33.
Variant type: Deletion.
Coding change: c.1631del on transcript NM_006929.5 (MANE Select); coding-DNA position 1631, one base deleted (A; older notation c.1631delA).
Protein change: p.Gln544fs; shifts the reading frame from glutamine 544.
Molecular consequence: frameshift variant.
Genome position (GRCh38, 1-based): chr6:31,963,717, A deleted. VCF-style (leftmost placement, unchanged base first): chr6-31963716-CA-C. GRCh37 (hg19) VCF-style: chr6-31931493-CA-C.
Other names: short protein forms Q544fs.
Identifiers: ClinVar variation 2007999 (VCV002007999.4), dbSNP rs898388789, ClinGen allele CA136908983.
Genomic context (GRCh38, chr6:31,963,716, plus strand): 5'-GCCAAGAAGGAGAGAATGAGCAAACACGCCCAGACCTTTGGGGCCAAGCAGCCCACACAT[CA>C]GGGGGGCCCTGCACAGGTGAGAACTGGGAGGGTTTTGTACCTGCCAGCACCTGTTTTTCC-3'

ClinVar aggregate classification (germline): Pathogenic (1 of 4 stars; one submission).

Allele frequency attached by ClinVar (database versions not stated): gnomAD exomes below 0.00001; TOPMed 0.00001.

Submission:

Labcorp Genetics (formerly Invitae), Labcorp
Classification: Pathogenic. Last evaluated: 2024-01-13. Review status: criteria provided, single submitter. Criteria: Invitae Variant Classification Sherloc (09022015). Collection method: clinical testing. Allele origin: germline.
Comment: This sequence change creates a premature translational stop signal (p.Gln544Argfs*85) in the SKIV2L gene. It is expected to result in an absent or disrupted protein product. Loss-of-function variants in SKIV2L are known to be pathogenic (PMID: 22444670). This variant is present in population databases (no rsID available, gnomAD 0.001%). This variant has not been reported in the literature in individuals affected with SKIV2L-related conditions. ClinVar contains an entry for this variant (Variation ID: 2007999). For these reasons, this variant has been classified as Pathogenic.

Literature cited by the submitters: PubMed 22444670.